The following is an entry in ClinVar:

NM_182914.3(SYNE2):c.1879A>G (p.Thr627Ala)

Gene: SYNE2 (spectrin repeat containing nuclear envelope protein 2; plus strand). Cytogenetic location: 14q23.2.
Variant type: single nucleotide variant.
Coding change: c.1879A>G on transcript NM_182914.3 (MANE Select); coding-DNA position 1879, A replaced by G.
Protein change: p.Thr627Ala; replaces threonine 627 with alanine.
Molecular consequence: missense variant.
Genome position (GRCh38, 1-based): chr14:63,982,672, A>G. VCF-style: chr14-63982672-A-G. GRCh37 (hg19) VCF-style: chr14-64449390-A-G.
Other names: c.1879A>G, p.Thr627Ala (NM_015180.6); short protein forms T627A.
Identifiers: ClinVar variation 1015910 (VCV001015910.9), dbSNP rs1189381604, ClinGen allele CA389962869.

ClinVar aggregate classification (germline): Uncertain significance (1 of 4 stars; one submission).

Conditions:
Emery-Dreifuss muscular dystrophy 5, autosomal dominant (EDMD5). Also called: EMERY-DREIFUSS MUSCULAR DYSTROPHY 5. Identifiers: Orphanet 261, MedGen C2751805, MONDO:0013072, OMIM 612999.

Allele frequency attached by ClinVar (database versions not stated): gnomAD exomes below 0.00001.
gnomAD v4.1: 2 of 1,614,166 alleles (0.00012%); highest among the groups gnomAD compares: Admixed American, 0.0017%; no homozygotes.

Submission:

Labcorp Genetics (formerly Invitae), Labcorp
Classification: Uncertain significance for Emery-Dreifuss muscular dystrophy 5, autosomal dominant. Last evaluated: 2020-01-28. Review status: criteria provided, single submitter. Criteria: Invitae Variant Classification Sherloc (09022015). Collection method: clinical testing. Allele origin: germline.
Comment: In summary, the available evidence is currently insufficient to determine the role of this variant in disease. Therefore, it has been classified as a Variant of Uncertain Significance. Algorithms developed to predict the effect of missense changes on protein structure and function output the following: SIFT: "Tolerated"; PolyPhen-2: "Benign"; Align-GVGD: "Class C0". The alanine amino acid residue is found in multiple mammalian species, suggesting that this missense change does not adversely affect protein function. These predictions have not been confirmed by published functional studies and their clinical significance is uncertain. This variant has not been reported in the literature in individuals with SYNE2-related conditions. This variant is not present in population databases (ExAC no frequency). This sequence change replaces threonine with alanine at codon 627 of the SYNE2 protein (p.Thr627Ala). The threonine residue is weakly conserved and there is a small physicochemical difference between threonine and alanine.